The following is an entry in ClinVar:

NM_002184.4(IL6ST):c.875T>C (p.Phe292Ser)

Gene: IL6ST (interleukin 6 cytokine family signal transducer; minus strand). Cytogenetic location: 5q11.2.
Variant type: single nucleotide variant.
Coding change: c.875T>C on transcript NM_002184.4 (MANE Select); coding-DNA position 875, T replaced by C.
Protein change: p.Phe292Ser; replaces phenylalanine 292 with serine.
Molecular consequence: missense variant. On other transcripts: 5 prime UTR variant (3), non-coding transcript variant (2).
Genome position (GRCh38, 1-based): chr5:55,960,500, A>G on the plus strand (T>C on the coding strand, the complement: IL6ST is on the minus strand). VCF-style: chr5-55960500-A-G. GRCh37 (hg19) VCF-style: chr5-55256328-A-G.
Other names: c.875T>C, p.Phe292Ser (NM_001190981.2, NM_001364275.2, NM_175767.3); c.665T>C, p.Phe222Ser (NM_001364276.2); c.-39T>C (NM_001364277.2, NM_001364279.2); c.-29T>C (NM_001364278.2); c.875T>C (NM_002184.3); short protein forms F222S, F292S.
Identifiers: ClinVar variation 1385577 (VCV001385577.7), dbSNP rs2111745936, ClinGen allele CA359765541.
Genomic context (GRCh38, chr5:55,960,500, plus strand): 5'-TCACTCCAGTATCCCTTACCATCTTCCTTCATACAGCGAATCCTAAACACATATTCTGTA[A>G]AAGGTTTAAGGTCTTGGACAGTGAATGAAGATCGGGTGGATGCTGTGTCTTCAGGAGGAA-3'
Protein context (NP_002175.2, residues 282-302): SSFTVQDLKP[Phe292Ser]TEYVFRIRCM

ClinVar aggregate classification (germline): Uncertain significance. Review status: criteria provided, multiple submitters, no conflicts (2 of 4 stars). 2 submissions from 2 submitters: Uncertain significance (2). Last evaluated 2023-12-17.

Submissions (2):

Ambry Genetics
Classification: Uncertain significance. Last evaluated: 2023-12-17. Review status: criteria provided, single submitter. Criteria: Ambry Variant Classification Scheme 2023. Collection method: clinical testing. Allele origin: germline.

Labcorp Genetics (formerly Invitae), Labcorp
Classification: Uncertain significance. Last evaluated: 2021-10-11. Review status: criteria provided, single submitter. Criteria: Invitae Variant Classification Sherloc (09022015). Collection method: clinical testing. Allele origin: germline.
Comment: In summary, the available evidence is currently insufficient to determine the role of this variant in disease. Therefore, it has been classified as a Variant of Uncertain Significance. This sequence change replaces phenylalanine with serine at codon 292 of the IL6ST protein (p.Phe292Ser). The phenylalanine residue is moderately conserved and there is a large physicochemical difference between phenylalanine and serine. This variant is not present in population databases (ExAC no frequency). This variant has not been reported in the literature in individuals affected with IL6ST-related conditions. Algorithms developed to predict the effect of missense changes on protein structure and function are either unavailable or do not agree on the potential impact of this missense change (SIFT: "Tolerated"; PolyPhen-2: "Possibly Damaging"; Align-GVGD: "Class C0").